The following is an entry in ClinVar:

ClinVar aggregate classification (germline): Uncertain significance (1 of 4 stars; one submission).

Allele frequency attached by ClinVar (database versions not stated): TOPMed below 0.00001.
gnomAD v4.1: 1 of 1,211,520 alleles (0.000083%); no homozygotes.

Submission:

Labcorp Genetics (formerly Invitae), Labcorp
Classification: Uncertain significance. Last evaluated: 2022-08-09. Review status: criteria provided, single submitter. Criteria: Invitae Variant Classification Sherloc (09022015). Collection method: clinical testing. Allele origin: germline.
Comment: This sequence change replaces arginine, which is basic and polar, with cysteine, which is neutral and slightly polar, at codon 460 of the MSN protein (p.Arg460Cys). In summary, the available evidence is currently insufficient to determine the role of this variant in disease. Therefore, it has been classified as a Variant of Uncertain Significance. Algorithms developed to predict the effect of missense changes on protein structure and function are either unavailable or do not agree on the potential impact of this missense change (SIFT: "Deleterious"; PolyPhen-2: "Possibly Damaging"; Align-GVGD: "Class C0"). This variant has not been reported in the literature in individuals affected with MSN-related conditions. This variant is not present in population databases (gnomAD no frequency).

NM_002444.3(MSN):c.1378C>T (p.Arg460Cys)

Gene: MSN (moesin; plus strand). Cytogenetic location: Xq12.
Variant type: single nucleotide variant.
Coding change: c.1378C>T on transcript NM_002444.3 (MANE Select); coding-DNA position 1378, C replaced by T.
Protein change: p.Arg460Cys; replaces arginine 460 with cysteine.
Molecular consequence: missense variant.
Genome position (GRCh38, 1-based): chrX:65,739,003, C>T. VCF-style: chrX-65739003-C-T. GRCh37 (hg19) VCF-style: chrX-64958865-C-T.
Other names: short protein forms R460C.
Identifiers: ClinVar variation 1940559 (VCV001940559.5), dbSNP rs2071709070, ClinGen allele CA413413923.